The following is an entry in ClinVar:

NM_000051.4(ATM):c.7219T>C (p.Ser2407Pro)

Genes: ATM (ATM serine/threonine kinase; plus strand), C11orf65 (chromosome 11 open reading frame 65; minus strand). Cytogenetic location: 11q22.3.
Variant type: single nucleotide variant.
Coding change: c.7219T>C on transcript NM_000051.4 (MANE Select); coding-DNA position 7219, T replaced by C.
Protein change: p.Ser2407Pro; replaces serine 2407 with proline.
Molecular consequence: missense variant. On other transcripts: intron variant (2).
Genome position (GRCh38, 1-based): chr11:108,329,150, T>C. VCF-style: chr11-108329150-T-C. GRCh37 (hg19) VCF-style: chr11-108199877-T-C.
Other names: c.7219T>C, p.Ser2407Pro (NM_001351834.2); c.641-20079A>G (NM_001330368.2); c.*38+6070A>G (NM_001351110.2); short protein forms S2407P.
Identifiers: ClinVar variation 628940 (VCV000628940.20), dbSNP rs1565526951, ClinGen allele CA382559658.

ClinVar aggregate classification (germline): Conflicting classifications of pathogenicity. Review status: criteria provided, conflicting classifications (1 of 4 stars). 3 submissions from 3 submitters: Likely pathogenic (2); Uncertain significance (1). Last evaluated 2024-09-13.

Conditions:
Ataxia-telangiectasia syndrome (AT). Also called: Ataxia-telangiectasia, complementation group D; AT, COMPLEMENTATION GROUP C; ATAXIA-TELANGIECTASIA, COMPLEMENTATION GROUP A; ATAXIA-TELANGIECTASIA, FRESNO VARIANT; Ataxia-telangiectasia; LOUIS-BAR SYNDROME. Identifiers: Orphanet 100, MedGen C0004135, MONDO:0008840, OMIM 208900.
Hereditary cancer-predisposing syndrome. Also called: Tumor predisposition; Hereditary neoplastic syndrome; Neoplastic Syndromes, Hereditary; Hereditary Cancer Syndrome. Identifiers: Orphanet 140162, MedGen C0027672, MeSH D009386, MONDO:0015356.

Allele frequency attached by ClinVar (database versions not stated): gnomAD exomes below 0.00001.
gnomAD v4.1: 1 of 1,614,002 alleles (0.000062%); highest among the groups gnomAD compares: Non-Finnish European, 0.000085%; no homozygotes.

Submissions (3):

Ambry Genetics
Classification: Likely pathogenic for Hereditary cancer-predisposing syndrome. Last evaluated: 2024-09-13. Review status: criteria provided, single submitter. Criteria: Ambry Variant Classification Scheme 2023. Collection method: clinical testing. Allele origin: germline.
Comment: The p.S2407P variant (also known as c.7219T>C), located in coding exon 48 of the ATM gene, results from a T to C substitution at nucleotide position 7219. The serine at codon 2407 is replaced by proline, an amino acid with similar properties. This alteration has also been shown to segregate with ATM-related disease in one family (Ambry internal data). This amino acid position is highly conserved in available vertebrate species. In addition, this alteration is predicted to be deleterious by in silico analysis. This variant is considered to be rare based on population cohorts in the Genome Aggregation Database (gnomAD). Based on the majority of available evidence to date, this variant is likely to be pathogenic.

Color Diagnostics, LLC DBA Color Health
Classification: Likely pathogenic for Hereditary cancer-predisposing syndrome. Last evaluated: 2024-02-16. Review status: criteria provided, single submitter. Criteria: ACMG Guidelines, 2015. Collection method: clinical testing. Allele origin: germline.
Comment: This missense variant replaces serine with proline at codon 2407 of the ATM protein. Computational prediction suggests that this variant may have deleterious impact on protein structure and function. To our knowledge, functional studies have not been performed for this variant. In this family, this variant also co-segregates with breast cancer in multiple family members (Color internal data). This variant has not been identified in the general population by the Genome Aggregation Database (gnomAD). Based on the available evidence, this variant is classified as Likely Pathogenic.

Labcorp Genetics (formerly Invitae), Labcorp
Classification: Uncertain significance for Ataxia-telangiectasia syndrome. Last evaluated: 2022-10-13. Review status: criteria provided, single submitter. Criteria: Invitae Variant Classification Sherloc (09022015). Collection method: clinical testing. Allele origin: germline.
Comment: In summary, the available evidence is currently insufficient to determine the role of this variant in disease. Therefore, it has been classified as a Variant of Uncertain Significance. Algorithms developed to predict the effect of missense changes on protein structure and function (SIFT, PolyPhen-2, Align-GVGD) all suggest that this variant is likely to be disruptive. ClinVar contains an entry for this variant (Variation ID: 628940). This variant has not been reported in the literature in individuals affected with ATM-related conditions. This variant is not present in population databases (gnomAD no frequency). This sequence change replaces serine, which is neutral and polar, with proline, which is neutral and non-polar, at codon 2407 of the ATM protein (p.Ser2407Pro).